The following is an entry in ClinVar:

ClinVar aggregate classification (germline): Conflicting classifications of pathogenicity. Review status: criteria provided, conflicting classifications (1 of 4 stars). 5 submissions from 5 submitters: Uncertain significance (1); Benign (3); Likely benign (1). Last evaluated 2019-05-30.

Conditions:
Microcephaly 2, primary, autosomal recessive, with or without cortical malformations. Also called: MICROCEPHALY 2, PRIMARY, AUTOSOMAL RECESSIVE, WITH CORTICAL MALFORMATIONS; WDR62 Primary Microcephaly. Identifiers: Orphanet 2512, MedGen C1858535, MONDO:0011435, OMIM 604317.

Allele frequency attached by ClinVar (database versions not stated): gnomAD 0.00745 and 0.00754; ExAC 0.00840; gnomAD exomes 0.01004 and 0.00224; TOPMed 0.01117; 1000 Genomes Project 0.01358; ESP Exome Variant Server 0.00008.

Submissions (5):

Mayo Clinic Laboratories, Mayo Clinic
Classification: Benign. Last evaluated: 2019-05-30. Review status: criteria provided, single submitter. Criteria: ACMG Guidelines, 2015. Collection method: clinical testing. Allele origin: germline. Observed: 10 variant alleles.

Illumina Laboratory Services, Illumina
Classification: Likely benign for Microcephaly 2, primary, autosomal recessive, with or without cortical malformations. Last evaluated: 2017-04-27. Review status: criteria provided, single submitter. Criteria: ICSL Variant Classification Criteria 13 December 2019. Collection method: clinical testing. Allele origin: germline.
Comment: This variant was observed as part of a predisposition screen in an ostensibly healthy population. A literature search was performed for the gene, cDNA change, and amino acid change (where applicable). No publications were found based on this search. Allele frequency data from public databases allowed determination this variant is unlikely to cause disease. Therefore, this variant is classified as likely benign.

GeneDx
Classification: Benign. Last evaluated: 2015-03-03. Review status: criteria provided, single submitter. Criteria: GeneDx Variant Classification Process June 2021. Collection method: clinical testing. Allele origin: germline. Affected: yes.

Eurofins Ntd Llc (ga)
Classification: Benign. Last evaluated: 2014-04-07. Review status: criteria provided, single submitter. Criteria: EGL Classification Definitions 2015. Collection method: clinical testing. Allele origin: germline. Observed: 1 variant allele, 1 heterozygote.

Genetic Services Laboratory, University of Chicago
Classification: Uncertain significance for Microcephaly 2, primary, autosomal recessive, with or without cortical malformations. Last evaluated: 2013-02-08. Review status: criteria provided, single submitter. Criteria: ACMG Guidelines, 2007. Collection method: clinical testing. Allele origin: germline. Inheritance: Autosomal recessive inheritance.

NM_001083961.2(WDR62):c.*5G>A

Gene: WDR62 (WD repeat domain 62; plus strand). Cytogenetic location: 19q13.12.
Variant type: single nucleotide variant.
Coding change: c.*5G>A on transcript NM_001083961.2 (MANE Select); 5 bases downstream of the stop codon, G replaced by A.
Molecular consequence: 3 prime UTR variant.
Genome position (GRCh38, 1-based): chr19:36,105,033, G>A. VCF-style: chr19-36105033-G-A. GRCh37 (hg19) VCF-style: chr19-36595935-G-A.
Other names: c.*5G>A (NM_173636.5).
Identifiers: ClinVar variation 160242 (VCV000160242.16), dbSNP rs61740165, ClinGen allele CA180500.
Genomic context (GRCh38, chr19:36,105,033, plus strand): 5'-AACACTACTCGGAGCTGCTGGTGCAGGCCGTGCGGAGGAAGGCACGGGGGCACTGAGGGC[G>A]CAGCCCCTCCACCGCAGCCCTGCTGCTTCTGAGGACTTAGGTATTTTAAGCGAATAAACT-3'